The following is an entry in ClinVar:

ClinVar aggregate classification (germline): Pathogenic (1 of 4 stars; one submission).

Conditions:
Primary ciliary dyskinesia 3. Identifiers: Orphanet 244, MedGen C1837618, MONDO:0012085, OMIM 608644.

Submission:

Myriad Genetics, Inc.
Classification: Pathogenic for Primary ciliary dyskinesia 3. Last evaluated: 2025-02-22. Review status: criteria provided, single submitter. Criteria: Myriad Autosomal Dominant, Autosomal Recessive and X-Linked Classification Criteria (2023). Collection method: clinical testing. Allele origin: unknown.
Comment: NM_001369.2(DNAH5):c.8597delG(G2866Efs*10) is expected to be pathogenic in the context of primary ciliary dyskinesia, DNAH5-related. This variant is predicted to lead to an abnormal or absent protein product due to the creation of a premature termination codon in DNAH5, a gene where loss-of-function variants are known to be pathogenic. Please note: this variant was assessed in the context of healthy population screening.

NM_001369.3(DNAH5):c.8597del (p.Gly2866fs)

Gene: DNAH5 (dynein axonemal heavy chain 5; minus strand). Cytogenetic location: 5p15.2.
Variant type: Deletion.
Coding change: c.8597del on transcript NM_001369.3 (MANE Select); coding-DNA position 8597, one base deleted (G; older notation c.8597delG).
Protein change: p.Gly2866fs; shifts the reading frame from glycine 2866.
Molecular consequence: frameshift variant.
Genome position (GRCh38, 1-based): chr5:13,788,766, C deleted on the plus strand (G on the coding strand, the reverse complement: DNAH5 is on the minus strand); the first of 2 consecutive C bases (chr5:13,788,766-13,788,767); deleting either gives the same sequence. VCF-style (leftmost placement, unchanged base first): chr5-13788765-TC-T. GRCh37 (hg19) VCF-style: chr5-13788874-TC-T.
Other names: short protein forms G2866fs.
Identifiers: ClinVar variation 5014126 (VCV005014126.1).